The following is an entry in ClinVar:

ClinVar aggregate classification (germline): Conflicting classifications of pathogenicity. Review status: criteria provided, conflicting classifications (1 of 4 stars). 5 submissions from 5 submitters: Uncertain significance (3); Likely benign (1). 1 of the submissions does not count toward it. Last evaluated 2025-04-07.

Conditions:
Bardet-Biedl syndrome 15 (BBS15). Identifiers: Orphanet 110, MedGen C3150127, MONDO:0014443, OMIM 615992.
Heart defect - tongue hamartoma - polysyndactyly syndrome. Also called: Congenital heart defects, hamartomas of tongue, and polysyndactyly. Identifiers: Orphanet 1338, MedGen C1857587, MONDO:0009008, OMIM 217085.
WDPCP-related disorder. Also called: WDPCP-related condition.
Bardet-Biedl syndrome (BBS). Identifiers: Orphanet 110, MedGen C0752166, MONDO:0015229.
Inborn genetic diseases. Identifiers: MedGen C0950123, MeSH D030342.

Allele frequency attached by ClinVar (database versions not stated): gnomAD 0.00001 and 0.00002; gnomAD exomes 0.00001 and 0.00005; TOPMed 0.00002; ExAC 0.00007; 1000 Genomes Project 30x 0.00016; 1000 Genomes Project 0.00020.
gnomAD v4.1: 22 of 1,613,474 alleles (0.0014%); highest among the groups gnomAD compares: South Asian, 0.013%; no homozygotes.

Submissions (5):

Ambry Genetics
Classification: Likely benign for Inborn genetic diseases. Last evaluated: 2025-04-07. Review status: criteria provided, single submitter. Criteria: Ambry Variant Classification Scheme 2023. Collection method: clinical testing. Allele origin: germline.

Fulgent Genetics
Classification: Uncertain significance for Heart defect - tongue hamartoma - polysyndactyly syndrome; Bardet-Biedl syndrome 15. Last evaluated: 2022-01-26. Review status: criteria provided, single submitter. Criteria: ACMG Guidelines, 2015. Collection method: clinical testing. Allele origin: unknown.

Labcorp Genetics (formerly Invitae), Labcorp
Classification: Uncertain significance for Bardet-Biedl syndrome. Last evaluated: 2020-07-08. Review status: criteria provided, single submitter. Criteria: Invitae Variant Classification Sherloc (09022015). Collection method: clinical testing. Allele origin: germline.
Comment: In summary, the available evidence is currently insufficient to determine the role of this variant in disease. Therefore, it has been classified as a Variant of Uncertain Significance. Algorithms developed to predict the effect of missense changes on protein structure and function output the following: SIFT: "Tolerated"; PolyPhen-2: "Possibly Damaging"; Align-GVGD: "Class C0". The threonine amino acid residue is found in multiple mammalian species, suggesting that this missense change does not adversely affect protein function. These predictions have not been confirmed by published functional studies and their clinical significance is uncertain. This variant has not been reported in the literature in individuals with WDPCP-related conditions. This variant is present in population databases (rs534102944, ExAC 0.03%). This sequence change replaces alanine with threonine at codon 526 of the WDPCP protein (p.Ala526Thr). The alanine residue is moderately conserved and there is a small physicochemical difference between alanine and threonine.

Illumina Laboratory Services, Illumina
Classification: Uncertain significance for Bardet-Biedl syndrome 15. Last evaluated: 2018-01-12. Review status: criteria provided, single submitter. Criteria: ICSL Variant Classification Criteria 13 December 2019. Collection method: clinical testing. Allele origin: germline.

PreventionGenetics, part of Exact Sciences
Classification: Uncertain significance for WDPCP-related condition. Last evaluated: 2024-05-16. Review status: no assertion criteria provided. Collection method: clinical testing. Allele origin: germline. Not counted in ClinVar's aggregate classification.
Comment: The WDPCP c.1576G>A variant is predicted to result in the amino acid substitution p.Ala526Thr. To our knowledge, this variant has not been reported in the literature. This variant is reported in 0.033% of alleles in individuals of South Asian descent in gnomAD. At this time, the clinical significance of this variant is uncertain due to the absence of conclusive functional and genetic evidence.

NM_015910.7(WDPCP):c.1576G>A (p.Ala526Thr)

Gene: WDPCP (WD repeat containing planar cell polarity effector; minus strand). Cytogenetic location: 2p15.
Variant type: single nucleotide variant.
Coding change: c.1576G>A on transcript NM_015910.7 (MANE Select); coding-DNA position 1576, G replaced by A.
Protein change: p.Ala526Thr; replaces alanine 526 with threonine.
Molecular consequence: missense variant. On other transcripts: non-coding transcript variant (3).
Genome position (GRCh38, 1-based): chr2:63,381,954, C>T on the plus strand (G>A on the coding strand, the complement: WDPCP is on the minus strand). VCF-style: chr2-63381954-C-T. GRCh37 (hg19) VCF-style: chr2-63609089-C-T.
Other names: c.1099G>A, p.Ala367Thr (NM_001042692.3); c.1504G>A, p.Ala502Thr (NM_001354044.2); c.1576G>A, p.Ala526Thr (NM_001354045.2); short protein forms A367T, A526T, A502T.
Identifiers: ClinVar variation 898834 (VCV000898834.16), dbSNP rs534102944, ClinGen allele CA1682188.